The following is an entry in ClinVar:

ClinVar aggregate classification (germline): Uncertain significance (1 of 4 stars; one submission).

Conditions:
Charcot-Marie-Tooth disease X-linked dominant 6. Also called: CHARCOT-MARIE-TOOTH NEUROPATHY, X-LINKED DOMINANT, 6. Identifiers: Orphanet 352675, MedGen C3806702, MONDO:0010479, OMIM 300905.

Submission:

Labcorp Genetics (formerly Invitae), Labcorp
Classification: Uncertain significance for Charcot-Marie-Tooth disease X-linked dominant 6. Last evaluated: 2021-04-16. Review status: criteria provided, single submitter. Criteria: Invitae Variant Classification Sherloc (09022015). Collection method: clinical testing. Allele origin: germline.
Comment: In summary, the available evidence is currently insufficient to determine the role of this variant in disease. Therefore, it has been classified as a Variant of Uncertain Significance. Algorithms developed to predict the effect of missense changes on protein structure and function output the following: SIFT: "Tolerated"; PolyPhen-2: "Benign"; Align-GVGD: "Class C0". The arginine amino acid residue is found in multiple mammalian species, suggesting that this missense change does not adversely affect protein function. These predictions have not been confirmed by published functional studies and their clinical significance is uncertain. This variant has not been reported in the literature in individuals with PDK3-related conditions. This variant is not present in population databases (ExAC no frequency). This sequence change replaces glutamine with arginine at codon 103 of the PDK3 protein (p.Gln103Arg). The glutamine residue is weakly conserved and there is a small physicochemical difference between glutamine and arginine.

NM_005391.5(PDK3):c.308A>G (p.Gln103Arg)

Gene: PDK3 (pyruvate dehydrogenase kinase 3; plus strand). Cytogenetic location: Xp22.11.
Variant type: single nucleotide variant.
Coding change: c.308A>G on transcript NM_005391.5 (MANE Select); coding-DNA position 308, A replaced by G.
Protein change: p.Gln103Arg; replaces glutamine 103 with arginine.
Molecular consequence: missense variant.
Genome position (GRCh38, 1-based): chrX:24,498,888, A>G. VCF-style: chrX-24498888-A-G. GRCh37 (hg19) VCF-style: chrX-24517005-A-G.
Other names: c.308A>G, p.Gln103Arg (NM_001142386.3); short protein forms Q103R.
Identifiers: ClinVar variation 1446814 (VCV001446814.8), dbSNP rs2148190126, ClinGen allele CA412604582.